The following is an entry in ClinVar:

ClinVar aggregate classification (germline): Likely pathogenic. Review status: criteria provided, multiple submitters, no conflicts (2 of 4 stars). 2 submissions from 2 submitters: Likely pathogenic (2). Last evaluated 2023-05-25.

Conditions:
Hereditary cancer-predisposing syndrome. Also called: Neoplastic Syndromes, Hereditary; Tumor predisposition; Hereditary Cancer Syndrome; Hereditary neoplastic syndrome. Identifiers: Orphanet 140162, MedGen C0027672, MeSH D009386, MONDO:0015356.
Familial cancer of breast. Also called: Hereditary breast cancer; BREAST CANCER, FAMILIAL; hereditary breast carcinoma. Identifiers: Orphanet 227535, MedGen C0346153, MONDO:0016419, OMIM 114480. Disease mechanism: loss of function.

Submissions (2):

Ambry Genetics
Classification: Likely pathogenic for Hereditary cancer-predisposing syndrome. Last evaluated: 2023-05-25. Review status: criteria provided, single submitter. Criteria: Ambry Variant Classification Scheme 2023. Collection method: clinical testing. Allele origin: germline.
Comment: The c.2291_2294delTAGA variant, located in coding exon 11 of the BARD1 gene, results from a deletion of 4 nucleotides at nucleotide positions 2291 to 2294, causing a translational frameshift with a predicted alternate stop codon (p.I764Tfs*3). This alteration occurs at the 3' terminus of theBARD1 gene, is not expected to trigger nonsense-mediated mRNA decay, and only impacts the last 14 amino acids of the protein. However, premature stop codons are typically deleterious in nature and the impacted region is critical for protein function (Ambry internal data). Another truncating alteration downstream, p.V767fs*4 (c.2300_2301delTG), was found to be non-functional in a homology-directed DNA repair through functional studies (Adamovich AI et al. PLoS Genet. 2019 03;15:e1008049). This variant is considered to be rare based on population cohorts in the Genome Aggregation Database (gnomAD). Based on the majority of available evidence to date, this variant is likely to be pathogenic.

Labcorp Genetics (formerly Invitae), Labcorp
Classification: Likely pathogenic for Familial cancer of breast. Last evaluated: 2022-08-04. Review status: criteria provided, single submitter. Criteria: Invitae Variant Classification Sherloc (09022015). Collection method: clinical testing. Allele origin: germline.
Comment: In summary, the currently available evidence indicates that the variant is pathogenic, but additional data are needed to prove that conclusively. Therefore, this variant has been classified as Likely Pathogenic. This variant disrupts the C-terminal BRCT domain of BARD1 protein, which is required for chromosome stability and homology-directed repair (PMID: 17848578). A different variant (p.Val767fs) that lies downstream of this variant has been reported to affect BARD1 protein function (PMID: 30925164), this suggests that disruption of this region of the protein is causative of disease. This premature translational stop signal has been observed in individual(s) with ovarian cancer (PMID: 26315354). This variant is not present in population databases (gnomAD no frequency). This sequence change creates a premature translational stop signal (p.Ile764Thrfs*3) in the BARD1 gene. While this is not anticipated to result in nonsense mediated decay, it is expected to disrupt the last 14 amino acid(s) of the BARD1 protein.

Literature cited by the submitters: PubMed 17848578 (cited by Labcorp Genetics (formerly Invitae), Labcorp); PubMed 30925164 (cited by Labcorp Genetics (formerly Invitae), Labcorp); PubMed 26315354 (cited by Labcorp Genetics (formerly Invitae), Labcorp).

NM_000465.4(BARD1):c.2291_2294del (p.Ile764fs)

Gene: BARD1 (BRCA1 associated RING domain 1; minus strand). Cytogenetic location: 2q35.
Variant type: Deletion.
Coding change: c.2291_2294del on transcript NM_000465.4 (MANE Select); coding-DNA positions 2291 to 2294, 4 bases deleted (TAGA; older notation c.2291_2294delTAGA).
Protein change: p.Ile764fs; shifts the reading frame from isoleucine 764.
Molecular consequence: frameshift variant. On other transcripts: non-coding transcript variant (3).
Genome position (GRCh38, 1-based): chr2:214,728,716-214,728,719, TCTA deleted on the plus strand (TAGA on the coding strand, the reverse complement: BARD1 is on the minus strand); deleting any 4 consecutive bases within chr2:214,728,716-214,728,720 gives the same sequence; the c. name uses the placement nearest the transcript's 3' end. VCF-style (leftmost placement, unchanged base first): chr2-214728715-GTCTA-G. GRCh37 (hg19) VCF-style: chr2-215593439-GTCTA-G.
Other names: c.2291_2294delTAGA (NM_000465.2); c.2234_2237del, p.Ile745fs (NM_001282543.2); c.938_941del, p.Ile313fs (NM_001282545.2); c.881_884del, p.Ile294fs (NM_001282548.2); c.752_755del, p.Ile251fs (NM_001282549.2); short protein forms I294fs, I764fs, I251fs, I313fs, I745fs.
Identifiers: ClinVar variation 2203255 (VCV002203255.6), dbSNP rs2469267341, ClinGen allele CA2580065605.